The following is an entry in ClinVar:

NM_000136.3(FANCC):c.1672G>T (p.Val558Phe)

Genes: AOPEP (aminopeptidase O (putative); plus strand), FANCC (FA complementation group C; minus strand). Cytogenetic location: 9q22.32.
Variant type: single nucleotide variant.
Coding change: c.1672G>T on transcript NM_000136.3 (MANE Select); coding-DNA position 1672, G replaced by T.
Protein change: p.Val558Phe; replaces valine 558 with phenylalanine.
Molecular consequence: missense variant.
Genome position (GRCh38, 1-based): chr9:95,101,712, C>A on the plus strand (G>T on the coding strand, the complement: FANCC is on the minus strand). VCF-style: chr9-95101712-C-A. GRCh37 (hg19) VCF-style: chr9-97863994-C-A.
Other names: c.1672G>T, p.Val558Phe (NM_001243743.2); short protein forms V558F.
Identifiers: ClinVar variation 565379 (VCV000565379.11), dbSNP rs758866109, ClinGen allele CA5137284.

ClinVar aggregate classification (germline): Uncertain significance. Review status: criteria provided, multiple submitters, no conflicts (2 of 4 stars). 5 submissions from 5 submitters: Uncertain significance (5). Last evaluated 2025-10-02.

Conditions:
Hereditary cancer-predisposing syndrome. Also called: Tumor predisposition; Neoplastic Syndromes, Hereditary; Hereditary neoplastic syndrome; Hereditary Cancer Syndrome. Identifiers: Orphanet 140162, MedGen C0027672, MeSH D009386, MONDO:0015356.
Fanconi anemia complementation group C (FANCC). Also called: FANCONI PANCYTOPENIA, TYPE 3; FACC; FANCC-Related Fanconi Anemia; Fanconi anemia, group C. Identifiers: Orphanet 84, MedGen C3468041, MONDO:0009213, OMIM 227645.
Fanconi anemia (FA). Also called: Fanconi's anemia. Identifiers: Orphanet 84, MedGen C0015625, MeSH D005199, MONDO:0019391.

Allele frequency attached by ClinVar (database versions not stated): gnomAD exomes 0.00002; ExAC 0.00001.
gnomAD v4.1: 6 of 1,613,980 alleles (0.00037%); highest among the groups gnomAD compares: Admixed American, 0.01%; no homozygotes.

Submissions (5):

Ambry Genetics
Classification: Uncertain significance for Hereditary cancer-predisposing syndrome. Last evaluated: 2025-10-02. Review status: criteria provided, single submitter. Criteria: Ambry Variant Classification Scheme 2023. Collection method: clinical testing. Allele origin: germline.
Comment: The p.V558F variant (also known as c.1672G>T), located in coding exon 14 of the FANCC gene, results from a G to T substitution at nucleotide position 1672. The valine at codon 558 is replaced by phenylalanine, an amino acid with highly similar properties. This amino acid position is not well conserved in available vertebrate species. In addition, this alteration is predicted to be tolerated by in silico analysis. Since supporting evidence is limited at this time, the clinical significance of this alteration remains unclear.

GeneDx
Classification: Uncertain significance. Last evaluated: 2024-09-06. Review status: criteria provided, single submitter. Criteria: GeneDx Variant Classification Process June 2021. Collection method: clinical testing. Allele origin: germline.
Comment: Not observed at significant frequency in large population cohorts (gnomAD); In silico analysis indicates that this missense variant does not alter protein structure/function; Has not been previously published as pathogenic or benign to our knowledge; This variant is associated with the following publications: (PMID: Gordon2000[Book])

Labcorp Genetics (formerly Invitae), Labcorp
Classification: Uncertain significance for Fanconi anemia. Last evaluated: 2022-10-30. Review status: criteria provided, single submitter. Criteria: Invitae Variant Classification Sherloc (09022015). Collection method: clinical testing. Allele origin: germline.
Comment: This sequence change replaces valine, which is neutral and non-polar, with phenylalanine, which is neutral and non-polar, at codon 558 of the FANCC protein (p.Val558Phe). This variant is present in population databases (rs758866109, gnomAD 0.01%). This variant has not been reported in the literature in individuals affected with FANCC-related conditions. ClinVar contains an entry for this variant (Variation ID: 565379). Algorithms developed to predict the effect of missense changes on protein structure and function are either unavailable or do not agree on the potential impact of this missense change (SIFT: "Deleterious"; PolyPhen-2: "Probably Damaging"; Align-GVGD: "Class C0"). In summary, the available evidence is currently insufficient to determine the role of this variant in disease. Therefore, it has been classified as a Variant of Uncertain Significance.

Fulgent Genetics
Classification: Uncertain significance for Fanconi anemia complementation group C. Last evaluated: 2022-02-15. Review status: criteria provided, single submitter. Criteria: ACMG Guidelines, 2015. Collection method: clinical testing. Allele origin: unknown.

Baylor Genetics
Classification: Uncertain significance for Fanconi anemia complementation group C. Last evaluated: 2021-11-26. Review status: criteria provided, single submitter. Criteria: ACMG Guidelines, 2015. Collection method: clinical testing. Allele origin: unknown. Affected: yes. Study: CSER-TexasKidsCanSeq.
Comment: This variant was determined to be of uncertain significance according to ACMG Guidelines, 2015 [PMID:25741868].